The following is an entry in ClinVar:

NM_012186.3(FOXE3):c.824G>T (p.Arg275Leu)

Genes: FOXE3 (forkhead box E3; plus strand), LINC01389 (long independently transcribed non-coding RNA 1389; minus strand). Cytogenetic location: 1p33.
Variant type: single nucleotide variant.
Coding change: c.824G>T on transcript NM_012186.3 (MANE Select); coding-DNA position 824, G replaced by T.
Protein change: p.Arg275Leu; replaces arginine 275 with leucine.
Molecular consequence: missense variant.
Genome position (GRCh38, 1-based): chr1:47,417,139, G>T. VCF-style: chr1-47417139-G-T. GRCh37 (hg19) VCF-style: chr1-47882811-G-T.
Other names: c.824G>T (NM_012186.2); short protein forms R275L.
Identifiers: ClinVar variation 1975750 (VCV001975750.6), dbSNP rs1254543258, ClinGen allele CA340250799.

ClinVar aggregate classification (germline): Uncertain significance. Review status: criteria provided, multiple submitters, no conflicts (2 of 4 stars). 2 submissions from 2 submitters: Uncertain significance (2). Last evaluated 2025-08-20.

Conditions:
Anterior segment dysgenesis. Also called: Ocular anterior segment dysgenesis. Identifiers: Orphanet 88632, MedGen C1862839, MONDO:0019503, HP:0007700.
Congenital primary aphakia. Also called: ANTERIOR SEGMENT DYSGENESIS 2; Anterior segment dysgenesis 2, multiple subtypes. Identifiers: Orphanet 83461, MedGen C1853230, MONDO:0012456, OMIM 610256.
Cardiovascular phenotype. Identifiers: MedGen CN230736.

Allele frequency attached by ClinVar (database versions not stated): TOPMed below 0.00001.

Submissions (2):

Labcorp Genetics (formerly Invitae), Labcorp
Classification: Uncertain significance for Anterior segment dysgenesis; Congenital primary aphakia. Last evaluated: 2025-08-20. Review status: criteria provided, single submitter. Criteria: Invitae Variant Classification Sherloc (09022015). Collection method: clinical testing. Allele origin: germline.
Comment: This sequence change replaces arginine, which is basic and polar, with leucine, which is neutral and non-polar, at codon 275 of the FOXE3 protein (p.Arg275Leu). This variant is not present in population databases (gnomAD no frequency). This variant has not been reported in the literature in individuals affected with FOXE3-related conditions. ClinVar contains an entry for this variant (Variation ID: 1975750). An algorithm developed to predict the effect of missense changes on protein structure and function (PolyPhen-2) suggests that this variant is likely to be tolerated. In summary, the available evidence is currently insufficient to determine the role of this variant in disease. Therefore, it has been classified as a Variant of Uncertain Significance.

Ambry Genetics
Classification: Uncertain significance for Cardiovascular phenotype. Last evaluated: 2024-07-06. Review status: criteria provided, single submitter. Criteria: Ambry Variant Classification Scheme 2023. Collection method: clinical testing. Allele origin: germline.